The following is an entry in ClinVar:

ClinVar aggregate classification (germline): Pathogenic. Review status: criteria provided, multiple submitters, no conflicts (2 of 4 stars). 2 submissions from 2 submitters: Pathogenic (2). Last evaluated 2025-12-15.

Conditions:
Hereditary cancer-predisposing syndrome. Also called: Hereditary Cancer Syndrome; Neoplastic Syndromes, Hereditary; Tumor predisposition; Hereditary neoplastic syndrome. Identifiers: Orphanet 140162, MedGen C0027672, MeSH D009386, MONDO:0015356.

gnomAD v4.1: 1 of 1,614,188 alleles (0.000062%); highest among the groups gnomAD compares: Non-Finnish European, 0.000085%; no homozygotes.

Submissions (2):

Ambry Genetics
Classification: Pathogenic for Hereditary cancer-predisposing syndrome. Last evaluated: 2025-12-15. Review status: criteria provided, single submitter. Criteria: Ambry Variant Classification Scheme 2023. Collection method: clinical testing. Allele origin: germline.
Comment: The p.A317V pathogenic variant (also known as c.950C>T), located in coding exon 7 of the FH gene, results from a C to T substitution at nucleotide position 950. The alanine at codon 317 is replaced by valine, an amino acid with similar properties. This variant was reported in individual(s) with features consistent with FH-related tumor predisposition and has been shown to have reduced FH enzymatic activity in a patient lymphoblast assay (Ambry internal data; Marque M et al. Br J Dermatol, 2010 Dec;163:1337-9). Of note, this alteration is also known as c.821C>T in published literature. This variant is considered to be rare based on population cohorts in the Genome Aggregation Database (gnomAD). This amino acid position is highly conserved in available vertebrate species. In addition, this alteration is predicted to be deleterious by in silico analysis. Based on the supporting evidence, this variant is interpreted as a disease-causing mutation.

Labcorp Genetics (formerly Invitae), Labcorp
Classification: Pathogenic. Last evaluated: 2020-04-11. Review status: criteria provided, single submitter. Criteria: Invitae Variant Classification Sherloc (09022015). Collection method: clinical testing. Allele origin: germline.
Comment: For these reasons, this variant has been classified as Pathogenic. This variant has been reported to affect FH protein function (PMID: 21398687). This variant has been observed in individual(s) with hereditary leiomyomatosis and renal cell carcinoma syndrome (PMID: 21398687, Invitae). It has also been observed to segregate with disease in related individuals. This variant is not present in population databases (ExAC no frequency). This sequence change replaces alanine with valine at codon 317 of the FH protein (p.Ala317Val). The alanine residue is highly conserved and there is a small physicochemical difference between alanine and valine.

Literature cited by the submitters: PubMed 20560959 (cited by Ambry Genetics); PubMed 21398687 (cited by Labcorp Genetics (formerly Invitae), Labcorp).

NM_000143.4(FH):c.950C>T (p.Ala317Val)

Gene: FH (fumarate hydratase; minus strand). Cytogenetic location: 1q43.
Variant type: single nucleotide variant.
Coding change: c.950C>T on transcript NM_000143.4 (MANE Select); coding-DNA position 950, C replaced by T.
Protein change: p.Ala317Val; replaces alanine 317 with valine.
Molecular consequence: missense variant.
Genome position (GRCh38, 1-based): chr1:241,504,200, G>A on the plus strand (C>T on the coding strand, the complement: FH is on the minus strand). VCF-style: chr1-241504200-G-A. GRCh37 (hg19) VCF-style: chr1-241667500-G-A.
Other names: c.950C>T (NM_000143.3); short protein forms A317V.
Identifiers: ClinVar variation 1074129 (VCV001074129.13), dbSNP rs2147916281, ClinGen allele CA345438346.